The following is an entry in ClinVar:

NM_007254.4(PNKP):c.763G>A (p.Ala255Thr)

Gene: PNKP (polynucleotide kinase 3'-phosphatase; minus strand). Cytogenetic location: 19q13.33.
Variant type: single nucleotide variant.
Coding change: c.763G>A on transcript NM_007254.4 (MANE Select); coding-DNA position 763, G replaced by A.
Protein change: p.Ala255Thr; replaces alanine 255 with threonine.
Molecular consequence: missense variant.
Genome position (GRCh38, 1-based): chr19:49,863,742, C>T on the plus strand (G>A on the coding strand, the complement: PNKP is on the minus strand). VCF-style: chr19-49863742-C-T. GRCh37 (hg19) VCF-style: chr19-50366999-C-T.
Other names: short protein forms A255T.
Identifiers: ClinVar variation 95487 (VCV000095487.52), dbSNP rs398124249, ClinGen allele CA223018.

ClinVar aggregate classification (germline): Uncertain significance. Review status: criteria provided, multiple submitters, no conflicts (2 of 4 stars). 4 submissions from 4 submitters: Uncertain significance (4). Last evaluated 2025-11-13.

Conditions:
Inborn genetic diseases. Identifiers: MedGen C0950123, MeSH D030342.
Developmental and epileptic encephalopathy, 12 (DEE12). Identifiers: MedGen C3150988, MONDO:0013389, OMIM 613722.

Allele frequency attached by ClinVar (database versions not stated): TOPMed 0.00001; gnomAD 0.00001.
gnomAD v4.1: 46 of 1,559,624 alleles (0.0029%); highest among the groups gnomAD compares: Non-Finnish European, 0.0036%; no homozygotes.

Submissions (4):

Ambry Genetics
Classification: Uncertain significance for Inborn genetic diseases. Last evaluated: 2025-11-13. Review status: criteria provided, single submitter. Criteria: Ambry Variant Classification Scheme 2023. Collection method: clinical testing. Allele origin: germline.

Labcorp Genetics (formerly Invitae), Labcorp
Classification: Uncertain significance for Developmental and epileptic encephalopathy, 12. Last evaluated: 2024-10-22. Review status: criteria provided, single submitter. Criteria: Invitae Variant Classification Sherloc (09022015). Collection method: clinical testing. Allele origin: germline.
Comment: This sequence change replaces alanine, which is neutral and non-polar, with threonine, which is neutral and polar, at codon 255 of the PNKP protein (p.Ala255Thr). This variant is present in population databases (rs398124249, gnomAD 0.006%). This variant has not been reported in the literature in individuals affected with PNKP-related conditions. ClinVar contains an entry for this variant (Variation ID: 95487). Invitae Evidence Modeling of protein sequence and biophysical properties (such as structural, functional, and spatial information, amino acid conservation, physicochemical variation, residue mobility, and thermodynamic stability) indicates that this missense variant is not expected to disrupt PNKP protein function with a negative predictive value of 80%. In summary, the available evidence is currently insufficient to determine the role of this variant in disease. Therefore, it has been classified as a Variant of Uncertain Significance.

CeGaT Center for Human Genetics Tuebingen
Classification: Uncertain significance. Last evaluated: 2018-01-01. Review status: criteria provided, single submitter. Criteria: CeGaT Center For Human Genetics Tuebingen Variant Classification Criteria Version 2. Collection method: clinical testing. Allele origin: germline. Affected: yes. Observed: 1 variant allele.

Eurofins Ntd Llc (ga)
Classification: Uncertain significance. Last evaluated: 2012-11-29. Review status: criteria provided, single submitter. Criteria: EGL Classification Definitions 2015. Collection method: clinical testing. Allele origin: germline. Observed: 1 variant allele, 1 heterozygote.